The following is an entry in ClinVar:

ClinVar aggregate classification (germline): Uncertain significance (1 of 4 stars; one submission).

Allele frequency attached by ClinVar (database versions not stated): gnomAD exomes below 0.00001.
gnomAD v4.1: 1 of 1,614,024 alleles (0.000062%); highest among the groups gnomAD compares: Non-Finnish European, 0.000085%; no homozygotes.

Submission:

Labcorp Genetics (formerly Invitae), Labcorp
Classification: Uncertain significance. Last evaluated: 2021-09-17. Review status: criteria provided, single submitter. Criteria: Invitae Variant Classification Sherloc (09022015). Collection method: clinical testing. Allele origin: germline.
Comment: This sequence change replaces phenylalanine with leucine at codon 115 of the MLC1 protein (p.Phe115Leu). The phenylalanine residue is highly conserved and there is a small physicochemical difference between phenylalanine and leucine. This variant is not present in population databases (ExAC no frequency). This variant has not been reported in the literature in individuals with MLC1-related conditions. Algorithms developed to predict the effect of missense changes on protein structure and function are either unavailable or do not agree on the potential impact of this missense change (SIFT: "Deleterious"; PolyPhen-2: "Probably Damaging"; Align-GVGD: "Class C0"). In summary, the available evidence is currently insufficient to determine the role of this variant in disease. Therefore, it has been classified as a Variant of Uncertain Significance.

NM_015166.4(MLC1):c.343T>C (p.Phe115Leu)

Gene: MLC1 (modulator of VRAC current 1; minus strand). Cytogenetic location: 22q13.33.
Variant type: single nucleotide variant.
Coding change: c.343T>C on transcript NM_015166.4 (MANE Select); coding-DNA position 343, T replaced by C.
Protein change: p.Phe115Leu; replaces phenylalanine 115 with leucine.
Molecular consequence: missense variant. On other transcripts: non-coding transcript variant (3), intron variant (3).
Genome position (GRCh38, 1-based): chr22:50,079,998, A>G on the plus strand (T>C on the coding strand, the complement: MLC1 is on the minus strand). VCF-style: chr22-50079998-A-G. GRCh37 (hg19) VCF-style: chr22-50518427-A-G.
Other names: c.343T>C, p.Phe115Leu (NM_001376472.1, NM_001376473.1, NM_001376474.1 and 6 more transcripts); c.253T>C, p.Phe85Leu (NM_001376480.1); c.106T>C, p.Phe36Leu (NM_001376484.1); c.268-2496T>C (NM_001376482.1, NM_001376483.1); c.321+346T>C (NM_001376481.1); short protein forms F36L, F115L, F85L.
Identifiers: ClinVar variation 1462816 (VCV001462816.5), dbSNP rs2146905010, ClinGen allele CA412110735.